The following is an entry in ClinVar:

ClinVar aggregate classification (germline): Pathogenic (1 of 4 stars; one submission).

Conditions:
Hereditary cancer-predisposing syndrome. Also called: Tumor predisposition; Hereditary Cancer Syndrome; Hereditary neoplastic syndrome; Neoplastic Syndromes, Hereditary. Identifiers: Orphanet 140162, MedGen C0027672, MeSH D009386, MONDO:0015356.

Submission:

Ambry Genetics
Classification: Pathogenic for Hereditary cancer-predisposing syndrome. Last evaluated: 2023-08-16. Review status: criteria provided, single submitter. Criteria: Ambry Variant Classification Scheme 2023. Collection method: clinical testing. Allele origin: germline.
Comment: The p.Y128* pathogenic mutation (also known as c.384C>A), located in coding exon 4 of the SDHB gene, results from a C to A substitution at nucleotide position 384. This changes the amino acid from a tyrosine to a stop codon within coding exon 4. This variant is considered to be rare based on population cohorts in the Genome Aggregation Database (gnomAD). This alteration is expected to result in loss of function by premature protein truncation or nonsense-mediated mRNA decay. As such, this alteration is interpreted as a disease-causing mutation.

NM_003000.3(SDHB):c.384C>A (p.Tyr128Ter)

Gene: SDHB (succinate dehydrogenase complex iron sulfur subunit B; minus strand). Cytogenetic location: 1p36.13.
Variant type: single nucleotide variant.
Coding change: c.384C>A on transcript NM_003000.3 (MANE Select); coding-DNA position 384, C replaced by A.
Protein change: p.Tyr128Ter; replaces tyrosine 128 with a stop codon.
Molecular consequence: nonsense. On other transcripts: intron variant (1).
Genome position (GRCh38, 1-based): chr1:17,028,639, G>T on the plus strand (C>A on the coding strand, the complement: SDHB is on the minus strand). VCF-style: chr1-17028639-G-T. GRCh37 (hg19) VCF-style: chr1-17355134-G-T.
Other names: c.369+15C>A (NM_001407361.1); short protein forms Y128*.
Identifiers: ClinVar variation 2625087 (VCV002625087.2), dbSNP rs2101523059, ClinGen allele CA338274313.